The following is an entry in ClinVar:

NM_019885.4(CYP26B1):c.1443C>A (p.His481Gln)

Gene: CYP26B1 (cytochrome P450 family 26 subfamily B member 1; minus strand). Cytogenetic location: 2p13.2.
Variant type: single nucleotide variant.
Coding change: c.1443C>A on transcript NM_019885.4 (MANE Select); coding-DNA position 1443, C replaced by A.
Protein change: p.His481Gln; replaces histidine 481 with glutamine.
Molecular consequence: missense variant.
Genome position (GRCh38, 1-based): chr2:72,132,323, G>T on the plus strand (C>A on the coding strand, the complement: CYP26B1 is on the minus strand). VCF-style: chr2-72132323-G-T. GRCh37 (hg19) VCF-style: chr2-72359452-G-T.
Other names: c.1218C>A, p.His406Gln (NM_001277742.2); c.1443C>A (NM_019885.2); short protein forms H406Q, H481Q.
Identifiers: ClinVar variation 2505921 (VCV002505921.3), dbSNP rs781553628, ClinGen allele CA1707750.

ClinVar aggregate classification (germline): Uncertain significance. Review status: criteria provided, multiple submitters, no conflicts (2 of 4 stars). 3 submissions from 3 submitters: Uncertain significance (3). Last evaluated 2025-08-29.

Conditions:
Inborn genetic diseases. Identifiers: MedGen C0950123, MeSH D030342.

Allele frequency attached by ClinVar (database versions not stated): ExAC 0.00004; gnomAD 0.00004; TOPMed 0.00004; gnomAD exomes 0.00005.
gnomAD v4.1: 79 of 1,609,880 alleles (0.0049%); highest among the groups gnomAD compares: Middle Eastern, 0.033%; 1 homozygote.

Submissions (3):

Labcorp Genetics (formerly Invitae), Labcorp
Classification: Uncertain significance. Last evaluated: 2025-08-29. Review status: criteria provided, single submitter. Criteria: Invitae Variant Classification Sherloc (09022015). Collection method: clinical testing. Allele origin: germline.
Comment: This sequence change replaces histidine, which is basic and polar, with glutamine, which is neutral and polar, at codon 481 of the CYP26B1 protein (p.His481Gln). This variant is present in population databases (rs781553628, gnomAD 0.01%). This variant has not been reported in the literature in individuals affected with CYP26B1-related conditions. ClinVar contains an entry for this variant (Variation ID: 2505921). Invitae Evidence Modeling of protein sequence and biophysical properties (such as structural, functional, and spatial information, amino acid conservation, physicochemical variation, residue mobility, and thermodynamic stability) indicates that this missense variant is not expected to disrupt CYP26B1 protein function with a negative predictive value of 95%. In summary, the available evidence is currently insufficient to determine the role of this variant in disease. Therefore, it has been classified as a Variant of Uncertain Significance.

Ambry Genetics
Classification: Uncertain significance for Inborn genetic diseases. Last evaluated: 2025-04-10. Review status: criteria provided, single submitter. Criteria: Ambry Variant Classification Scheme 2023. Collection method: clinical testing. Allele origin: germline.

GeneDx
Classification: Uncertain significance. Last evaluated: 2022-12-13. Review status: criteria provided, single submitter. Criteria: GeneDx Variant Classification Process June 2021. Collection method: clinical testing. Allele origin: germline. Affected: yes.
Comment: In silico analysis supports that this missense variant has a deleterious effect on protein structure/function; Has not been previously published as pathogenic or benign to our knowledge